The following is an entry in ClinVar:

ClinVar aggregate classification (germline): Uncertain significance (1 of 4 stars; one submission).

Submission:

Labcorp Genetics (formerly Invitae), Labcorp
Classification: Uncertain significance. Last evaluated: 2024-09-23. Review status: criteria provided, single submitter. Criteria: Invitae Variant Classification Sherloc (09022015). Collection method: clinical testing. Allele origin: germline.
Comment: This sequence change replaces aspartic acid, which is acidic and polar, with glutamic acid, which is acidic and polar, at codon 2241 of the POLE protein (p.Asp2241Glu). This variant is not present in population databases (gnomAD no frequency). This variant has not been reported in the literature in individuals affected with POLE-related conditions. Invitae Evidence Modeling of protein sequence and biophysical properties (such as structural, functional, and spatial information, amino acid conservation, physicochemical variation, residue mobility, and thermodynamic stability) indicates that this missense variant is not expected to disrupt POLE protein function with a negative predictive value of 80%. In summary, the available evidence is currently insufficient to determine the role of this variant in disease. Therefore, it has been classified as a Variant of Uncertain Significance.

NM_006231.4(POLE):c.6723C>G (p.Asp2241Glu)

Gene: POLE (DNA polymerase epsilon, catalytic subunit; minus strand). Cytogenetic location: 12q24.33.
Variant type: single nucleotide variant.
Coding change: c.6723C>G on transcript NM_006231.4 (MANE Select); coding-DNA position 6723, C replaced by G.
Protein change: p.Asp2241Glu; replaces aspartic acid 2241 with glutamic acid.
Molecular consequence: missense variant.
Genome position (GRCh38, 1-based): chr12:132,624,929, G>C on the plus strand (C>G on the coding strand, the complement: POLE is on the minus strand). VCF-style: chr12-132624929-G-C. GRCh37 (hg19) VCF-style: chr12-133201515-G-C.
Other names: short protein forms D2241E.
Identifiers: ClinVar variation 2817120 (VCV002817120.3), dbSNP rs2541833017, ClinGen allele CA387366058.